The following is an entry in ClinVar:

NM_001291303.3(FAT4):c.2834A>G (p.Lys945Arg)

Gene: FAT4 (FAT atypical cadherin 4; plus strand). Cytogenetic location: 4q28.1.
Variant type: single nucleotide variant.
Coding change: c.2834A>G on transcript NM_001291303.3 (MANE Select); coding-DNA position 2834, A replaced by G.
Protein change: p.Lys945Arg; replaces lysine 945 with arginine.
Molecular consequence: missense variant.
Genome position (GRCh38, 1-based): chr4:125,319,245, A>G. VCF-style: chr4-125319245-A-G. GRCh37 (hg19) VCF-style: chr4-126240400-A-G.
Other names: c.2834A>G, p.Lys945Arg (NM_001291285.3, NM_024582.6); c.2834A>G (NM_024582.4); short protein forms K945R.
Identifiers: ClinVar variation 1412863 (VCV001412863.4), dbSNP rs1376872414, ClinGen allele CA358121207.
Genomic context (GRCh38, chr4:125,319,245, plus strand): 5'-ATGGCATGGTACTCTATAGTCTGAAGCAAAACCCCAAGAACCTGTTTGCTATCAATGAAA[A>G]GAATGGCACTATTAGTCTGCTTGGGCCCCTGGATGTTCATGCTGGCTCCTACCAAATAGA-3'
Protein context (NP_001278232.1, residues 935-955): NPKNLFAINE[Lys945Arg]NGTISLLGPL

ClinVar aggregate classification (germline): Uncertain significance. Review status: criteria provided, multiple submitters, no conflicts (2 of 4 stars). 2 submissions from 2 submitters: Uncertain significance (2). Last evaluated 2023-02-15.

Conditions:
Inborn genetic diseases. Identifiers: MedGen C0950123, MeSH D030342.

Allele frequency attached by ClinVar (database versions not stated): TOPMed below 0.00001; gnomAD 0.00001; gnomAD exomes 0.00001.
gnomAD v4.1: 17 of 1,614,092 alleles (0.0011%); highest among the groups gnomAD compares: Admixed American, 0.0033%; no homozygotes.

Submissions (2):

Ambry Genetics
Classification: Uncertain significance for Inborn genetic diseases. Last evaluated: 2023-02-15. Review status: criteria provided, single submitter. Criteria: Ambry Variant Classification Scheme 2023. Collection method: clinical testing. Allele origin: germline.

Labcorp Genetics (formerly Invitae), Labcorp
Classification: Uncertain significance. Last evaluated: 2022-07-19. Review status: criteria provided, single submitter. Criteria: Invitae Variant Classification Sherloc (09022015). Collection method: clinical testing. Allele origin: germline.
Comment: This sequence change replaces lysine, which is basic and polar, with arginine, which is basic and polar, at codon 945 of the FAT4 protein (p.Lys945Arg). This variant is present in population databases (no rsID available, gnomAD 0.006%). This variant has not been reported in the literature in individuals affected with FAT4-related conditions. ClinVar contains an entry for this variant (Variation ID: 1412863). Advanced modeling of protein sequence and biophysical properties (such as structural, functional, and spatial information, amino acid conservation, physicochemical variation, residue mobility, and thermodynamic stability) performed at Invitae indicates that this missense variant is not expected to disrupt FAT4 protein function. Algorithms developed to predict the effect of sequence changes on RNA splicing suggest that this variant may create or strengthen a splice site. In summary, the available evidence is currently insufficient to determine the role of this variant in disease. Therefore, it has been classified as a Variant of Uncertain Significance.